The following is an entry in ClinVar:

NM_000051.4(ATM):c.5474A>C (p.Gln1825Pro)

Gene: ATM (ATM serine/threonine kinase; plus strand). Cytogenetic location: 11q22.3.
Variant type: single nucleotide variant.
Coding change: c.5474A>C on transcript NM_000051.4 (MANE Select); coding-DNA position 5474, A replaced by C.
Protein change: p.Gln1825Pro; replaces glutamine 1825 with proline.
Molecular consequence: missense variant.
Genome position (GRCh38, 1-based): chr11:108,303,007, A>C. VCF-style: chr11-108303007-A-C. GRCh37 (hg19) VCF-style: chr11-108173734-A-C.
Other names: c.5474A>C, p.Gln1825Pro (NM_001351834.2); short protein forms Q1825P.
Identifiers: ClinVar variation 142703 (VCV000142703.26), dbSNP rs587782655, ClinGen allele CA169193.

ClinVar aggregate classification (germline): Uncertain significance. Review status: criteria provided, multiple submitters, no conflicts (2 of 4 stars). 6 submissions from 6 submitters: Uncertain significance (5). 1 of the submissions does not count toward it. Last evaluated 2026-09-01.

Conditions:
Hereditary cancer-predisposing syndrome. Also called: Neoplastic Syndromes, Hereditary; Tumor predisposition; Hereditary neoplastic syndrome; Hereditary Cancer Syndrome. Identifiers: Orphanet 140162, MedGen C0027672, MeSH D009386, MONDO:0015356.
Ataxia-telangiectasia syndrome (AT). Also called: Ataxia-telangiectasia, complementation group D; AT, COMPLEMENTATION GROUP C; Ataxia telangiectasia (A-T); LOUIS-BAR SYNDROME; Cerebello-oculocutaneous telangiectasia; Immunodeficiency with ataxia telangiectasia. Identifiers: Orphanet 100, MedGen C0004135, MONDO:0008840, OMIM 208900.

Submissions (6):

CeGaT Center for Human Genetics Tuebingen
Classification: Uncertain significance. Last evaluated: 2026-09-01. Review status: criteria provided, single submitter. Criteria: CeGaT Center For Human Genetics Tuebingen Variant Classification Criteria Version 2. Collection method: clinical testing. Allele origin: germline. Affected: yes. Observed: 1 variant allele.
Comment: ATM: PM2, BP1, BP4

Labcorp Genetics (formerly Invitae), Labcorp
Classification: Uncertain significance for Ataxia-telangiectasia syndrome. Last evaluated: 2025-12-08. Review status: criteria provided, single submitter. Criteria: Invitae Variant Classification Sherloc (09022015). Collection method: clinical testing. Allele origin: germline.
Comment: This sequence change replaces glutamine, which is neutral and polar, with proline, which is neutral and non-polar, at codon 1825 of the ATM protein (p.Gln1825Pro). This variant is not present in population databases (gnomAD no frequency). This variant has not been reported in the literature in individuals affected with ATM-related conditions. ClinVar contains an entry for this variant (Variation ID: 142703). Invitae Evidence Modeling of protein sequence and biophysical properties (such as structural, functional, and spatial information, amino acid conservation, physicochemical variation, residue mobility, and thermodynamic stability) indicates that this missense variant is not expected to disrupt ATM protein function with a negative predictive value of 95%. In summary, the available evidence is currently insufficient to determine the role of this variant in disease. Therefore, it has been classified as a Variant of Uncertain Significance.

GeneDx
Classification: Uncertain significance. Last evaluated: 2025-08-13. Review status: criteria provided, single submitter. Criteria: GeneDx Variant Classification Process June 2021. Collection method: clinical testing. Allele origin: germline. Affected: yes.
Comment: Not observed at significant frequency in large population cohorts (gnomAD); In silico analysis supports that this missense variant has a deleterious effect on protein structure/function; Has not been previously published as pathogenic or benign to our knowledge

Ambry Genetics
Classification: Uncertain significance for Hereditary cancer-predisposing syndrome. Last evaluated: 2025-01-16. Review status: criteria provided, single submitter. Criteria: Ambry Variant Classification Scheme 2023. Collection method: clinical testing. Allele origin: germline.
Comment: The p.Q1825P variant (also known as c.5474A>C), located in coding exon 35 of the ATM gene, results from an A to C substitution at nucleotide position 5474. The glutamine at codon 1825 is replaced by proline, an amino acid with similar properties. This amino acid position is well conserved in available vertebrate species. In addition, the in silico prediction for this alteration is inconclusive. Based on the available evidence, the clinical significance of this variant remains unclear.

Color Diagnostics, LLC DBA Color Health
Classification: Uncertain significance for Hereditary cancer-predisposing syndrome. Last evaluated: 2022-01-24. Review status: criteria provided, single submitter. Criteria: ACMG Guidelines, 2015. Collection method: clinical testing. Allele origin: germline.
Comment: This missense variant replaces glutamine with proline at codon 1825 of the ATM protein. Computational prediction suggests that this variant may not impact protein structure and function (internally defined REVEL score threshold <= 0.5, PMID: 27666373). To our knowledge, functional studies have not been reported for this variant. This variant has not been reported in individuals affected with hereditary cancer in the literature. This variant has not been identified in the general population by the Genome Aggregation Database (gnomAD). The available evidence is insufficient to determine the role of this variant in disease conclusively. Therefore, this variant is classified as a Variant of Uncertain Significance.

Natera, Inc.
Classification: Uncertain significance for Ataxia-telangiectasia. Last evaluated: 2021-01-28. Review status: no assertion criteria provided. Collection method: clinical testing. Allele origin: germline. Not counted in ClinVar's aggregate classification.